The following is an entry in ClinVar:

NM_003190.5(TAPBP):c.1046T>C (p.Leu349Pro)

Gene: TAPBP (TAP binding protein; minus strand). Cytogenetic location: 6p21.32.
Variant type: single nucleotide variant.
Coding change: c.1046T>C on transcript NM_003190.5 (MANE Select); coding-DNA position 1046, T replaced by C.
Protein change: p.Leu349Pro; replaces leucine 349 with proline.
Molecular consequence: missense variant.
Genome position (GRCh38, 1-based): chr6:33,304,461, A>G on the plus strand (T>C on the coding strand, the complement: TAPBP is on the minus strand). VCF-style: chr6-33304461-A-G. GRCh37 (hg19) VCF-style: chr6-33272238-A-G.
Other names: c.1046T>C, p.Leu349Pro (NM_172208.3); c.785T>C, p.Leu262Pro (NM_172209.3); short protein forms L262P, L349P.
Identifiers: ClinVar variation 639896 (VCV000639896.8), dbSNP rs1006835992, ClinGen allele CA137089028.

ClinVar aggregate classification (germline): Uncertain significance (1 of 4 stars; one submission).

Conditions:
MHC class I deficiency. Identifiers: Orphanet 34592, MedGen C6024714, MONDO:0011476.

Allele frequency attached by ClinVar (database versions not stated): gnomAD 0.00001; gnomAD exomes 0.00001; TOPMed 0.00002.
gnomAD v4.1: 2 of 1,611,934 alleles (0.00012%); highest among the groups gnomAD compares: African/African-American, 0.0027%; no homozygotes.

Submission:

Labcorp Genetics (formerly Invitae), Labcorp
Classification: Uncertain significance for MHC class I deficiency 1. Last evaluated: 2018-08-14. Review status: criteria provided, single submitter. Criteria: Invitae Variant Classification Sherloc (09022015). Collection method: clinical testing. Allele origin: germline.
Comment: In summary, the available evidence is currently insufficient to determine the role of this variant in disease. Therefore, it has been classified as a Variant of Uncertain Significance. Algorithms developed to predict the effect of missense changes on protein structure and function are either unavailable or do not agree on the potential impact of this missense change (SIFT: "Deleterious"; PolyPhen-2: "Possibly Damaging"; Align-GVGD: "Class C0"). This variant has not been reported in the literature in individuals with TAPBP-related disease. This variant is not present in population databases (ExAC no frequency). This sequence change replaces leucine with proline at codon 349 of the TAPBP protein (p.Leu349Pro). The leucine residue is moderately conserved and there is a moderate physicochemical difference between leucine and proline.